The following is an entry in ClinVar:

ClinVar aggregate classification (germline): Uncertain significance (1 of 4 stars; one submission).

Allele frequency attached by ClinVar (database versions not stated): gnomAD 0.00001; gnomAD exomes below 0.00001; TOPMed 0.00002.
gnomAD v4.1: 3 of 1,600,496 alleles (0.00019%); highest among the groups gnomAD compares: African/African-American, 0.0027%; no homozygotes.

Submission:

GeneDx
Classification: Uncertain significance. Last evaluated: 2019-04-25. Review status: criteria provided, single submitter. Criteria: GeneDx Variant Classification Process June 2021. Collection method: clinical testing. Allele origin: germline. Affected: yes.
Comment: Not observed at a significant frequency in large population cohorts (Lek et al., 2016); In silico analysis, which includes protein predictors and evolutionary conservation, supports that this variant does not alter protein structure/function; Has not been previously published as pathogenic or benign to our knowledge

NM_004387.4(NKX2-5):c.419A>G (p.Lys140Arg)

Gene: NKX2-5 (NK2 homeobox 5; minus strand). Cytogenetic location: 5q35.1.
Variant type: single nucleotide variant.
Coding change: c.419A>G on transcript NM_004387.4 (MANE Select); coding-DNA position 419, A replaced by G.
Protein change: p.Lys140Arg; replaces lysine 140 with arginine.
Molecular consequence: missense variant. On other transcripts: 3 prime UTR variant (2).
Genome position (GRCh38, 1-based): chr5:173,233,125, T>C on the plus strand (A>G on the coding strand, the complement: NKX2-5 is on the minus strand). VCF-style: chr5-173233125-T-C. GRCh37 (hg19) VCF-style: chr5-172660128-T-C.
Other names: c.*372A>G (NM_001166175.2); c.*218A>G (NM_001166176.2); short protein forms K140R.
Identifiers: ClinVar variation 1302043 (VCV001302043.2), dbSNP rs1253114866, ClinGen allele CA362161903.
Genomic context (GRCh38, chr5:173,233,125, plus strand): 5'-TGCTGCTTGAAGCGCCGCTCCAGCTCATAGACCTGCGCCTGCGAGAAGAGCACGCGCGGC[T>C]TCCTCCGCCGTCGCGCCCGGGGCCGCTCCGCGTTGTCCGCCTCTGTCTTCTCCAGCTCCA-3'
Protein context (NP_004378.1, residues 130-150): AERPRARRRR[Lys140Arg]PRVLFSQAQV